The following is an entry in ClinVar:

NM_000218.3(KCNQ1):c.639C>T (p.Leu213=)

Gene: KCNQ1 (potassium voltage-gated channel subfamily Q member 1; plus strand). Cytogenetic location: 11p15.5.
Variant type: single nucleotide variant.
Coding change: c.639C>T on transcript NM_000218.3 (MANE Select); coding-DNA position 639, C replaced by T.
Protein change: p.Leu213=; no amino-acid change (leucine 213 retained).
Molecular consequence: synonymous variant. On other transcripts: intron variant (1).
Genome position (GRCh38, 1-based): chr11:2,571,359, C>T. VCF-style: chr11-2571359-C-T. GRCh37 (hg19) VCF-style: chr11-2592589-C-T.
Other names: c.639C>T, p.Leu213= (NM_001406836.1); c.369C>T, p.Leu123= (NM_001406837.1); c.258C>T, p.Leu86= (NM_181798.2); c.478-12076C>T (NM_001406838.1).
Identifiers: ClinVar variation 918112 (VCV000918112.5), dbSNP rs913261020, ClinGen allele CA472038010.
Genomic context (GRCh38, chr11:2,571,359, plus strand): 5'-AGCTCCCCCTCTCCTGCACTCCACAGACCTCATCGTGGTCGTGGCCTCCATGGTGGTCCT[C>T]TGCGTGGGCTCCAAGGGGCAGGTGTTTGCCACGTCGGCCATCAGGTGCGTCTGTGCCACA-3'
Protein context (NP_000209.2, residues 203-223): LIVVVASMVV[Leu213=]CVGSKGQVFA

ClinVar aggregate classification (germline): Likely benign. Review status: criteria provided, multiple submitters, no conflicts (2 of 4 stars). 2 submissions from 2 submitters: Likely benign (2). Last evaluated 2024-07-17.

Conditions:
Long QT syndrome (LQTS). Identifiers: MedGen C0023976, MeSH D008133, MONDO:0002442. Disease mechanism: loss of function. Inheritance: Various modes of inheritance.

Allele frequency attached by ClinVar (database versions not stated): gnomAD exomes below 0.00001.
gnomAD v4.1: 2 of 1,613,216 alleles (0.00012%); highest among the groups gnomAD compares: African/African-American, 0.0013%; no homozygotes.

Submissions (2):

Labcorp Genetics (formerly Invitae), Labcorp
Classification: Likely benign for Long QT syndrome. Last evaluated: 2024-07-17. Review status: criteria provided, single submitter. Criteria: Invitae Variant Classification Sherloc (09022015). Collection method: clinical testing. Allele origin: germline.

Women's Health and Genetics/Laboratory Corporation of America, LabCorp
Classification: Likely benign. Last evaluated: 2020-03-16. Review status: criteria provided, single submitter. Criteria: LabCorp Variant Classification Summary - May 2015. Collection method: clinical testing. Allele origin: germline.
Comment: Variant summary: KCNQ1 c.639C>T alters a non-conserved nucleotide resulting in a synonymous change. 4/4 computational tools predict no significant impact on normal splicing. However, these predictions have yet to be confirmed by functional studies. The variant was absent in 250378 control chromosomes (gnomAD). The available data on variant occurrences in the general population are insufficient to allow any conclusion about variant significance. To our knowledge, no occurrence of c.639C>T in individuals affected with Arrhythmia and no experimental evidence demonstrating its impact on protein function have been reported. No clinical diagnostic laboratories have submitted clinical-significance assessments for this variant to ClinVar after 2014. Based on the evidence outlined above, the variant was classified as likely benign.